The following is an entry in ClinVar:

ClinVar aggregate classification (germline): Uncertain significance. Review status: criteria provided, multiple submitters, no conflicts (2 of 4 stars). 5 submissions from 5 submitters: Uncertain significance (4). 1 of the submissions does not count toward it. Last evaluated 2025-11-01.

Conditions:
GUCY2D-related disorder. Also called: GUCY2D-related condition.
Leber congenital amaurosis 1 (LCA1). Also called: Congenital absence of the rods and cones; Leber's congenital tapetoretinal degeneration; Leber's congenital tapetoretinal dysplasia; AMAUROSIS CONGENITA OF LEBER I; RETINAL BLINDNESS, CONGENITAL. Identifiers: Orphanet 65, MedGen C2931258, MONDO:0008764, OMIM 204000.
Cone-rod dystrophy 6 (CORD6). Also called: Cone dystrophy progressive; RETINAL CONE DYSTROPHY 2. Identifiers: Orphanet 1872, MedGen C1866293, MONDO:0011143, OMIM 601777.

Allele frequency attached by ClinVar (database versions not stated): TOPMed below 0.00001; gnomAD 0.00002; ExAC 0.00004; gnomAD exomes 0.00006.
gnomAD v4.1: 41 of 1,597,916 alleles (0.0026%); highest among the groups gnomAD compares: South Asian, 0.038%; no homozygotes.

Submissions (5):

PreventionGenetics, part of Exact Sciences
Classification: Uncertain significance for GUCY2D-related condition. Last evaluated: 2025-11-01. Review status: criteria provided, single submitter. Criteria: ACMG Guidelines, 2015. Collection method: clinical testing. Allele origin: germline.
Comment: The GUCY2D c.647C>T variant is predicted to result in the amino acid substitution p.Thr216Ile. To our knowledge, this variant has not been reported in the literature. This variant is reported in 0.040% of alleles in individuals of South Asian descent in gnomAD. At this time, the clinical significance of this variant is uncertain due to the absence of conclusive functional and genetic evidence.

Labcorp Genetics (formerly Invitae), Labcorp
Classification: Uncertain significance for Leber congenital amaurosis 1; Cone-rod dystrophy 6. Last evaluated: 2025-04-21. Review status: criteria provided, single submitter. Criteria: Invitae Variant Classification Sherloc (09022015). Collection method: clinical testing. Allele origin: germline.
Comment: This sequence change replaces threonine, which is neutral and polar, with isoleucine, which is neutral and non-polar, at codon 216 of the GUCY2D protein (p.Thr216Ile). This variant is present in population databases (rs747354016, gnomAD 0.04%). This variant has not been reported in the literature in individuals affected with GUCY2D-related conditions. ClinVar contains an entry for this variant (Variation ID: 1050092). Invitae Evidence Modeling of protein sequence and biophysical properties (such as structural, functional, and spatial information, amino acid conservation, physicochemical variation, residue mobility, and thermodynamic stability) indicates that this missense variant is not expected to disrupt GUCY2D protein function with a negative predictive value of 80%. In summary, the available evidence is currently insufficient to determine the role of this variant in disease. Therefore, it has been classified as a Variant of Uncertain Significance.

Women's Health and Genetics/Laboratory Corporation of America, LabCorp
Classification: Uncertain significance. Last evaluated: 2024-03-21. Review status: criteria provided, single submitter. Criteria: LabCorp Variant Classification Summary - May 2015. Collection method: clinical testing. Allele origin: germline.

Blueprint Genetics
Classification: Uncertain significance. Last evaluated: 2022-11-30. Review status: criteria provided, single submitter. Criteria: ACMG Guidelines, 2015. Collection method: clinical testing. Allele origin: germline.

Department of Pathology and Laboratory Medicine, Sinai Health System
Classification: Uncertain significance. Review status: no assertion criteria provided. Collection method: clinical testing. Allele origin: unknown. Affected: yes. Study: The Canadian Open Genetics Repository (COGR). Not counted in ClinVar's aggregate classification.
Comment: The GUCY2D p.Thr216Ile variant was not identified in the literature nor was it identified in ClinVar or LOVD 3.0. The variant was identified in dbSNP (ID: rs747354016) and in control databases in 13 of 223684 chromosomes at a frequency of 0.00005812 (Genome Aggregation Database March 6, 2019, v2.1.1). The variant was observed in the following populations: South Asian in 12 of 30078 chromosomes (freq: 0.000399) and Other in 1 of 5734 chromosomes (freq: 0.000174), but was not observed in the African, Latino, Ashkenazi Jewish, East Asian, European (Finnish), or European (non-Finnish) populations. The p.Thr216 residue is conserved in mammals and computational analyses (PolyPhen-2, SIFT, AlignGVGD, BLOSUM, MutationTaster) provide inconsistent predictions regarding the impact to the protein; this information is not very predictive of pathogenicity. The variant occurs outside of the splicing consensus sequence and three of four in silico or computational prediction software programs (SpliceSiteFinder, MaxEntScan, NNSPLICE, GeneSplicer) do not predict a greater than 10% difference in splicing; this is not very predictive of pathogenicity. In summary, based on the above information the clinical significance of this variant cannot be determined with certainty at this time. This variant is classified as a variant of uncertain significance.

NM_000180.4(GUCY2D):c.647C>T (p.Thr216Ile)

Gene: GUCY2D (guanylate cyclase 2D, retinal; plus strand). Cytogenetic location: 17p13.1.
Variant type: single nucleotide variant.
Coding change: c.647C>T on transcript NM_000180.4 (MANE Select); coding-DNA position 647, C replaced by T.
Protein change: p.Thr216Ile; replaces threonine 216 with isoleucine.
Molecular consequence: missense variant.
Genome position (GRCh38, 1-based): chr17:8,003,694, C>T. VCF-style: chr17-8003694-C-T. GRCh37 (hg19) VCF-style: chr17-7907012-C-T.
Other names: c.647C>T (NM_000180.3); short protein forms T216I.
Identifiers: ClinVar variation 1050092 (VCV001050092.6), dbSNP rs747354016, ClinGen allele CA8365526.